The following is an entry in ClinVar:

ClinVar aggregate classification (germline): Uncertain significance (1 of 4 stars; one submission).

Conditions:
Sialuria. Also called: SIALURIA, FRENCH TYPE; Sialic Acid Storage Disease. Identifiers: Orphanet 3166, MedGen C0342853, MONDO:0010028, OMIM 269921.
GNE myopathy (NM). Also called: NONAKA DISTAL MYOPATHY; INCLUSION BODY MYOPATHY, HEREDITARY, AUTOSOMAL RECESSIVE; INCLUSION BODY MYOPATHY 2, AUTOSOMAL RECESSIVE; MYOPATHY, DISTAL, WITH OR WITHOUT RIMMED VACUOLES; IBM 2; Inclusion body myopathy autosomal recessive. Identifiers: Orphanet 602, MedGen C1853926, MONDO:0011603, OMIM 605820.

gnomAD v4.1: 3 of 1,613,896 alleles (0.00019%); highest among the groups gnomAD compares: South Asian, 0.0033%; no homozygotes.

Submission:

Labcorp Genetics (formerly Invitae), Labcorp
Classification: Uncertain significance for Sialuria; GNE myopathy. Last evaluated: 2026-01-06. Review status: criteria provided, single submitter. Criteria: Invitae Variant Classification Sherloc (09022015). Collection method: clinical testing. Allele origin: germline.
Comment: This sequence change replaces leucine, which is neutral and non-polar, with valine, which is neutral and non-polar, at codon 565 of the GNE protein (p.Leu565Val). This variant is present in population databases (rs759962267, gnomAD 0.003%). This variant has not been reported in the literature in individuals affected with GNE-related conditions. Invitae Evidence Modeling of protein sequence and biophysical properties (such as structural, functional, and spatial information, amino acid conservation, physicochemical variation, residue mobility, and thermodynamic stability) has been performed for this missense variant. However, the output from this modeling did not meet the statistical confidence thresholds required to predict the impact of this variant on GNE protein function. In summary, the available evidence is currently insufficient to determine the role of this variant in disease. Therefore, it has been classified as a Variant of Uncertain Significance.

NM_005476.7(GNE):c.1600C>G (p.Leu534Val)

Gene: GNE (glucosamine (UDP-N-acetyl)-2-epimerase/N-acetylmannosamine kinase; minus strand). Cytogenetic location: 9p13.3.
Variant type: single nucleotide variant.
Coding change: c.1600C>G on transcript NM_005476.7 (MANE Select); coding-DNA position 1600, C replaced by G.
Protein change: p.Leu534Val; replaces leucine 534 with valine.
Molecular consequence: missense variant. On other transcripts: intron variant (1).
Genome position (GRCh38, 1-based): chr9:36,222,810, G>C on the plus strand (C>G on the coding strand, the complement: GNE is on the minus strand). VCF-style: chr9-36222810-G-C. GRCh37 (hg19) VCF-style: chr9-36222807-G-C.
Other names: c.1693C>G, p.Leu565Val (NM_001128227.3); c.1270C>G, p.Leu424Val (NM_001190384.3); c.1423C>G, p.Leu475Val (NM_001190388.2, NM_001374798.1); c.1447C>G, p.Leu483Val (NM_001374797.1); c.1411+563C>G (NM_001190383.3); short protein forms L424V, L483V, L475V, L534V, L565V.
Identifiers: ClinVar variation 4790045 (VCV004790045.1).